The following is an entry in ClinVar:

ClinVar aggregate classification (germline): Pathogenic (1 of 4 stars; one submission).

Conditions:
Neurofibromatosis, type 1 (NF1). Also called: Neurofibromatosis, type I; Peripheral type neurofibromatosis; VON RECKLINGHAUSEN DISEASE; NEUROFIBROMATOSIS, TYPE I, SOMATIC. Identifiers: Orphanet 636, MedGen C0027831, MONDO:0018975, OMIM 162200. Disease mechanism: loss of function.

Submission:

Labcorp Genetics (formerly Invitae), Labcorp
Classification: Pathogenic for Neurofibromatosis, type 1. Last evaluated: 2023-10-17. Review status: criteria provided, single submitter. Criteria: Invitae Variant Classification Sherloc (09022015). Collection method: clinical testing. Allele origin: germline.
Comment: This sequence change creates a premature translational stop signal (p.Thr1065Glnfs*12) in the NF1 gene. It is expected to result in an absent or disrupted protein product. Loss-of-function variants in NF1 are known to be pathogenic (PMID: 10712197, 23913538). This variant is not present in population databases (gnomAD no frequency). This premature translational stop signal has been observed in individual(s) with neurofibromatosis type 1 (PMID: 9195229). For these reasons, this variant has been classified as Pathogenic.

Literature cited by the submitters: PubMed 10712197; PubMed 23913538; PubMed 9195229.

NM_001042492.3(NF1):c.3192del (p.Thr1065fs)

Gene: NF1 (neurofibromin 1; plus strand). Cytogenetic location: 17q11.2.
Variant type: Deletion.
Coding change: c.3192del on transcript NM_001042492.3 (MANE Select); coding-DNA position 3192, one base deleted (T; older notation c.3192delT).
Protein change: p.Thr1065fs; shifts the reading frame from threonine 1065.
Molecular consequence: frameshift variant.
Genome position (GRCh38, 1-based): chr17:31,230,920, T deleted; the last of 2 consecutive T bases (chr17:31,230,919-31,230,920); deleting either gives the same sequence. VCF-style (leftmost placement, unchanged base first): chr17-31230918-CT-C. GRCh37 (hg19) VCF-style: chr17-29557936-CT-C.
Other names: c.3192delT, p.Thr1065Glnfs (NM_000267.4); short protein forms T1065fs.
Identifiers: ClinVar variation 2736537 (VCV002736537.3), dbSNP rs2508213801, ClinGen allele CA2695224855.
Genomic context (GRCh38, chr17:31,230,918, plus strand): 5'-TACCTGACAGACTGGGTTATGGGAACATCAAACCAAGCAGCAGATGATGATGTAAAATGT[CT>C]TACAAGGTAAAAAAAGAATGACCTTCAAGTATTAGTGGGTTTTACTGTGAGAGTTATAAC-3'